The following is an entry in ClinVar:

ClinVar aggregate classification (germline): Likely pathogenic (1 of 4 stars; one submission).

Conditions:
Pseudohypoparathyroidism type 1C (PHP1C). Also called: Pseudohypoparathyroidism Ic (PHP-Ic); PSEUDOHYPOPARATHYROIDISM, TYPE IC; PHP IC. Identifiers: Orphanet 79444, MedGen C2932716, MONDO:0012911, OMIM 612462.
Progressive osseous heteroplasia (POH). Also called: Osseus Heteroplasia, Progressive; Progressive Osseus Heteroplasia (POH); ECTOPIC OSSIFICATION, FAMILIAL; Osteoma cutis. Identifiers: Orphanet 2762, MedGen C0334041, MONDO:0008153, OMIM 166350, HP:0025027.
Pseudohypoparathyroidism type 1B (PHP1B). Also called: Pseudohypoparathyroidism Ib (PHP-Ib); PHP IB; Pseudohypoparathyroidism Type IB. Identifiers: Orphanet 94089, MedGen C1864100, MONDO:0011301, OMIM 603233.
Pseudohypoparathyroidism type I A (PHP1A). Also called: Pseudohypoparathyroidism Type IA; Pseudohypoparathyroidism Ia (PHP-Ia); ALBRIGHT HEREDITARY OSTEODYSTROPHY WITH MULTIPLE HORMONE RESISTANCE; PHP IA; Pseudohypoparathyroidism type 1A. Identifiers: Orphanet 79443, MedGen C3494506, MONDO:0007078, OMIM 103580.
Pseudopseudohypoparathyroidism (PPHP). Also called: Pseudopseudohypoparathyroidism (PPHP); ALBRIGHT HEREDITARY OSTEODYSTROPHY WITHOUT MULTIPLE HORMONE RESISTANCE. Identifiers: Orphanet 79445, MedGen C0033835, MONDO:0012912, OMIM 612463.

Submission:

Diagnostics Services (NGS), CSIR - Centre For Cellular And Molecular Biology
Classification: Likely pathogenic for Progressive osseous heteroplasia; Pseudohypoparathyroidism type I A; Pseudohypoparathyroidism type 1B; Pseudohypoparathyroidism type 1C; Pseudopseudohypoparathyroidism. Last evaluated: 2025-06-18. Review status: criteria provided, single submitter. Criteria: ACMG Guidelines, 2015. Collection method: clinical testing. Allele origin: unknown. Affected: yes. Observed: 1 variant allele, 1 heterozygote.
Comment: The c.1173C>G variant is not present in publicly available population databases like 1000 Genomes, EVS, gnomAD, Indian Exome Database, gnomAD or our internal database. This variant has been previously observed in individuals affected with GNAS-related conditions [PMID: 11788646, 16484323; 20075145; 23548772; 24651309] and reported to the Human Genome Mutation Database (HGMD ID: CM107199). In-silico pathogenicity prediction programs like MutationTaster2, CADD, Varsome, Franklin etc predicted this variant to be likely deleterious. This variant creates a premature translational stop codon at the 391st amino acid position of the wild-type transcript that may either result in translation of a truncated protein or cause nonsense mediated decay of the mRNA.

Literature cited by the submitters: PubMed 11788646; PubMed 16484323; PubMed 20075145; PubMed 23548772; PubMed 24651309.

NM_000516.7(GNAS):c.1173C>G (p.Tyr391Ter)

Gene: GNAS (GNAS complex locus; plus strand). Cytogenetic location: 20q13.32.
Variant type: single nucleotide variant.
Coding change: c.1173C>G on transcript NM_000516.7 (MANE Select); coding-DNA position 1173, C replaced by G.
Protein change: p.Tyr391Ter; replaces tyrosine 391 with a stop codon.
Molecular consequence: nonsense. On other transcripts: 3 prime UTR variant (2).
Genome position (GRCh38, 1-based): chr20:58,910,817, C>G. VCF-style: chr20-58910817-C-G. GRCh37 (hg19) VCF-style: chr20-57485872-C-G.
Other names: c.1176C>G, p.Tyr392Ter (NM_001077488.5); c.1128C>G, p.Tyr376Ter (NM_001077489.4); c.*1034C>G (NM_001077490.3); c.996C>G, p.Tyr332Ter (NM_001309840.2, NM_001309861.2); c.1077C>G, p.Tyr359Ter (NM_001410912.1); c.3057C>G, p.Tyr1019Ter (NM_001410913.1); c.*1079C>G (NM_016592.5); c.3102C>G, p.Tyr1034Ter (NM_080425.4); and 1 more; short protein forms Y1019*, Y1034*, Y332*, Y359*, Y376*, Y377*, Y391*, Y392*.
Identifiers: ClinVar variation 4057287 (VCV004057287.1).